The following is an entry in ClinVar:

NM_001077418.3(TMEM231):c.139+42G>A

Gene: TMEM231 (transmembrane protein 231; minus strand). Cytogenetic location: 16q23.1.
Variant type: single nucleotide variant.
Coding change: c.139+42G>A on transcript NM_001077418.3 (MANE Select); 42 bases into the intron after coding-DNA position 139, G replaced by A.
Molecular consequence: intron variant. On other transcripts: synonymous variant (1).
Genome position (GRCh38, 1-based): chr16:75,556,029, C>T on the plus strand (G>A on the coding strand, the complement: TMEM231 is on the minus strand). VCF-style: chr16-75556029-C-T. GRCh37 (hg19) VCF-style: chr16-75589927-C-T.
Other names: c.243G>A, p.Ala81= (NM_001077416.2).
Identifiers: ClinVar variation 1123897 (VCV001123897.34), dbSNP rs375718217, ClinGen allele CA8176290.
Genomic context (GRCh38, chr16:75,556,029, plus strand): 5'-AAACCCTGAGTTAAAGAGGGCGGTAGGGAGGCGGTTAGGGAGGCCGGCCCTGGCCGAGCG[C>T]GCCCGGGGAGCCTCGTGGCACAGCGGCCGGGGCAGGCTCACCGTGGCTCCGGAAGGCCAC-3'

ClinVar aggregate classification (germline): Likely benign. Review status: criteria provided, multiple submitters, no conflicts (2 of 4 stars). 4 submissions from 4 submitters: Likely benign (4). Last evaluated 2026-07-01.

Conditions:
Joubert syndrome 20 (JBTS20). Identifiers: Orphanet 475, MedGen C3554235, MONDO:0013994, OMIM 614970.
Meckel syndrome, type 11 (MKS11). Identifiers: Orphanet 564, MedGen C3809352, MONDO:0014164, OMIM 615397.

Allele frequency attached by ClinVar (database versions not stated): TOPMed 0.00011; ESP Exome Variant Server 0.00017; gnomAD exomes 0.00018; gnomAD 0.00022 and 0.00024; ExAC 0.00030.
gnomAD v4.1: 268 of 1,567,698 alleles (0.017%); highest among the groups gnomAD compares: Non-Finnish European, 0.021%; no homozygotes.

Submissions (4):

CeGaT Center for Human Genetics Tuebingen
Classification: Likely benign. Last evaluated: 2026-07-01. Review status: criteria provided, single submitter. Criteria: CeGaT Center For Human Genetics Tuebingen Variant Classification Criteria Version 2. Collection method: clinical testing. Allele origin: germline. Affected: yes. Observed: 10 variant alleles.
Comment: TMEM231: BP4, BP7

Labcorp Genetics (formerly Invitae), Labcorp
Classification: Likely benign for Joubert syndrome 20; Meckel syndrome, type 11. Last evaluated: 2026-01-24. Review status: criteria provided, single submitter. Criteria: Invitae Variant Classification Sherloc (09022015). Collection method: clinical testing. Allele origin: germline.

Laboratory of Genetics, Children's Clinical University Hospital Latvia
Classification: Likely benign. Last evaluated: 2025-02-16. Review status: criteria provided, single submitter. Criteria: ACMG Guidelines, 2015. Collection method: clinical testing. Allele origin: germline. Affected: yes.

Blueprint Genetics
Classification: Likely benign. Last evaluated: 2024-10-24. Review status: criteria provided, single submitter. Criteria: ACMG Guidelines, 2015. Collection method: clinical testing. Allele origin: germline.